The following is an entry in ClinVar:

NM_031935.3(HMCN1):c.2785G>T (p.Ala929Ser)

Gene: HMCN1 (hemicentin 1; plus strand). Cytogenetic location: 1q31.1.
Variant type: single nucleotide variant.
Coding change: c.2785G>T on transcript NM_031935.3 (MANE Select); coding-DNA position 2785, G replaced by T.
Protein change: p.Ala929Ser; replaces alanine 929 with serine.
Molecular consequence: missense variant.
Genome position (GRCh38, 1-based): chr1:185,982,384, G>T. VCF-style: chr1-185982384-G-T. GRCh37 (hg19) VCF-style: chr1-185951516-G-T.
Other names: short protein forms A929S.
Identifiers: ClinVar variation 3106231 (VCV003106231.3), dbSNP rs1412138754, ClinGen allele CA343887788.

ClinVar aggregate classification (germline): Uncertain significance. Review status: criteria provided, multiple submitters, no conflicts (2 of 4 stars). 2 submissions from 2 submitters: Uncertain significance (2). Last evaluated 2024-09-30.

gnomAD v4.1: 1 of 1,612,978 alleles (0.000062%); highest among the groups gnomAD compares: East Asian, 0.0022%; no homozygotes.

Submissions (2):

Labcorp Genetics (formerly Invitae), Labcorp
Classification: Uncertain significance. Last evaluated: 2024-09-30. Review status: criteria provided, single submitter. Criteria: Invitae Variant Classification Sherloc (09022015). Collection method: clinical testing. Allele origin: germline.
Comment: This sequence change replaces alanine, which is neutral and non-polar, with serine, which is neutral and polar, at codon 929 of the HMCN1 protein (p.Ala929Ser). This variant is present in population databases (no rsID available, gnomAD 0.006%). This variant has not been reported in the literature in individuals affected with HMCN1-related conditions. An algorithm developed to predict the effect of missense changes on protein structure and function (PolyPhen-2) suggests that this variant is likely to be disruptive. In summary, the available evidence is currently insufficient to determine the role of this variant in disease. Therefore, it has been classified as a Variant of Uncertain Significance.

Ambry Genetics
Classification: Uncertain significance. Last evaluated: 2024-02-06. Review status: criteria provided, single submitter. Criteria: Ambry Variant Classification Scheme 2023. Collection method: clinical testing. Allele origin: germline.